The following is an entry in ClinVar:

ClinVar aggregate classification (germline): Uncertain significance. Review status: criteria provided, multiple submitters, no conflicts (2 of 4 stars). 2 submissions from 2 submitters: Uncertain significance (2). Last evaluated 2025-12-01.

Conditions:
Baller-Gerold syndrome (BGS). Also called: CRANIOSYNOSTOSIS WITH RADIAL DEFECTS. Identifiers: Orphanet 1225, MedGen C0265308, MONDO:0009039, OMIM 218600.
RECQL4-related disorder. Also called: RECQL4-related disorders; RECQL4-related condition.

Allele frequency attached by ClinVar (database versions not stated): gnomAD 0.00001; TOPMed 0.00001; 1000 Genomes Project 30x 0.00016; 1000 Genomes Project 0.00020.
gnomAD v4.1: 16 of 1,609,572 alleles (0.00099%); highest among the groups gnomAD compares: South Asian, 0.014%; no homozygotes.

Submissions (2):

PreventionGenetics, part of Exact Sciences
Classification: Uncertain significance for RECQL4-related condition. Last evaluated: 2025-12-01. Review status: criteria provided, single submitter. Criteria: ACMG Guidelines, 2015. Collection method: clinical testing. Allele origin: germline.
Comment: The RECQL4 c.795C>G variant is predicted to result in the amino acid substitution p.Asn265Lys. To our knowledge, this variant has not been reported in the literature. This variant is reported in 0.033% of alleles in individuals of South Asian descent in gnomAD. At this time, the clinical significance of this variant is uncertain due to the absence of conclusive functional and genetic evidence.

Labcorp Genetics (formerly Invitae), Labcorp
Classification: Uncertain significance for Baller-Gerold syndrome. Last evaluated: 2025-09-04. Review status: criteria provided, single submitter. Criteria: Invitae Variant Classification Sherloc (09022015). Collection method: clinical testing. Allele origin: germline.
Comment: This sequence change replaces asparagine, which is neutral and polar, with lysine, which is basic and polar, at codon 265 of the RECQL4 protein (p.Asn265Lys). This variant is present in population databases (rs564678543, gnomAD 0.03%). This variant has not been reported in the literature in individuals affected with RECQL4-related conditions. ClinVar contains an entry for this variant (Variation ID: 1439781). Invitae Evidence Modeling of protein sequence and biophysical properties (such as structural, functional, and spatial information, amino acid conservation, physicochemical variation, residue mobility, and thermodynamic stability) indicates that this missense variant is not expected to disrupt RECQL4 protein function with a negative predictive value of 80%. In summary, the available evidence is currently insufficient to determine the role of this variant in disease. Therefore, it has been classified as a Variant of Uncertain Significance.

NM_004260.4(RECQL4):c.795C>G (p.Asn265Lys)

Gene: RECQL4 (RecQ like helicase 4; minus strand). Cytogenetic location: 8q24.3.
Variant type: single nucleotide variant.
Coding change: c.795C>G on transcript NM_004260.4 (MANE Select); coding-DNA position 795, C replaced by G.
Protein change: p.Asn265Lys; replaces asparagine 265 with lysine.
Molecular consequence: missense variant.
Genome position (GRCh38, 1-based): chr8:144,516,324, G>C on the plus strand (C>G on the coding strand, the complement: RECQL4 is on the minus strand). VCF-style: chr8-144516324-G-C. GRCh37 (hg19) VCF-style: chr8-145741708-G-C.
Other names: c.795C>G (NM_004260.3); short protein forms N265K.
Identifiers: ClinVar variation 1439781 (VCV001439781.7), dbSNP rs564678543, ClinGen allele CA4949176.